The following is an entry in ClinVar:

ClinVar aggregate classification (germline): Likely benign (0 of 4 stars; one submission).

Conditions:
PCSK1-related disorder. Also called: PCSK1-related condition.

Submission:

PreventionGenetics, part of Exact Sciences
Classification: Likely benign for PCSK1-related condition. Last evaluated: 2024-03-06. Review status: no assertion criteria provided. Collection method: clinical testing. Allele origin: germline.
Comment: This variant is classified as likely benign based on ACMG/AMP sequence variant interpretation guidelines (Richards et al. 2015 PMID: 25741868, with internal and published modifications).

NM_000439.5(PCSK1):c.264G>A (p.Lys88=)

Genes: CAST (calpastatin; plus strand), PCSK1 (proprotein convertase subtilisin/kexin type 1; minus strand), LOC101929710 (uncharacterized LOC101929710; plus strand). Cytogenetic location: 5q15.
Variant type: single nucleotide variant.
Coding change: c.264G>A on transcript NM_000439.5 (MANE Select); coding-DNA position 264, G replaced by A.
Protein change: p.Lys88=; no amino-acid change (lysine 88 retained).
Molecular consequence: synonymous variant. On other transcripts: intron variant (11).
Genome position (GRCh38, 1-based): chr5:96,429,234, C>T on the plus strand (G>A on the coding strand, the complement: PCSK1 is on the minus strand). VCF-style: chr5-96429234-C-T. GRCh37 (hg19) VCF-style: chr5-95764938-C-T.
Other names: c.123G>A, p.Lys41= (NM_001177875.2); c.-175+49582C>T (NM_001423254.1, NM_001423259.1, NM_001423255.1 and 6 more transcripts); c.-103+49582C>T (NM_001423253.1); c.-40+49582C>T (NM_001423258.1).
Identifiers: ClinVar variation 3348116 (VCV003348116.1).
Genomic context (GRCh38, chr5:96,429,234, plus strand): 5'-GCTAGAGTATTGGTTTGAAGACAAATGTACAACACTTACACGATCATCATCAGATAATCT[C>T]TTAGTGATATGAAAGGCACTCCTTCGAGACCTTCTGGGGTGGTTTTTATGTTTGAATAAG-3'
Protein context (NP_000430.3, residues 78-98): RSRRSAFHIT[Lys88=]RLSDDDRVIW